The following is an entry in ClinVar:

NM_173630.4(RTTN):c.4754A>G (p.Gln1585Arg)

Gene: RTTN (rotatin; minus strand). Cytogenetic location: 18q22.2.
Variant type: single nucleotide variant.
Coding change: c.4754A>G on transcript NM_173630.4 (MANE Select); coding-DNA position 4754, A replaced by G.
Protein change: p.Gln1585Arg; replaces glutamine 1585 with arginine.
Molecular consequence: missense variant.
Genome position (GRCh38, 1-based): chr18:70,060,036, T>C on the plus strand (A>G on the coding strand, the complement: RTTN is on the minus strand). VCF-style: chr18-70060036-T-C. GRCh37 (hg19) VCF-style: chr18-67727272-T-C.
Other names: c.2018A>G, p.Gln673Arg (NM_001318520.2); short protein forms Q1585R, Q673R.
Identifiers: ClinVar variation 1313809 (VCV001313809.2), dbSNP rs1409042373, ClinGen allele CA402695155.
Genomic context (GRCh38, chr18:70,060,036, plus strand): 5'-AGTTTGGGCAGGGGAGCAGAAAGAGATGAATCATGAGGTGGCCGTGGTGATGTACTTTCC[T>C]GGTGACCTATTATTGAAAATAAACATAAGAATTATTATTTACCTTACAGCTATGTACAAT-3'
Protein context (NP_775901.3, residues 1575-1595): SHDQFVAQGH[Gln1585Arg]ESTSPRPPHD

ClinVar aggregate classification (germline): Uncertain significance (1 of 4 stars; one submission).

Allele frequency attached by ClinVar (database versions not stated): TOPMed 0.00001; gnomAD 0.00001.
gnomAD v4.1: 1 of 1,608,156 alleles (0.000062%); highest among the groups gnomAD compares: African/African-American, 0.0013%; no homozygotes.

Submission:

GeneDx
Classification: Uncertain significance. Last evaluated: 2021-01-11. Review status: criteria provided, single submitter. Criteria: GeneDx Variant Classification Process June 2021. Collection method: clinical testing. Allele origin: germline. Affected: yes.
Comment: Not observed in large population cohorts (Lek et al., 2016); In silico analysis supports that this missense variant does not alter protein structure/function; Has not been previously published as pathogenic or benign to our knowledge